The following is an entry in ClinVar:

NM_001605.3(AARS1):c.533T>C (p.Met178Thr)

Gene: AARS1 (alanyl-tRNA synthetase 1; minus strand). Cytogenetic location: 16q22.1.
Variant type: single nucleotide variant.
Coding change: c.533T>C on transcript NM_001605.3 (MANE Select); coding-DNA position 533, T replaced by C.
Protein change: p.Met178Thr; replaces methionine 178 with threonine.
Molecular consequence: missense variant.
Genome position (GRCh38, 1-based): chr16:70,271,919, A>G on the plus strand (T>C on the coding strand, the complement: AARS1 is on the minus strand). VCF-style: chr16-70271919-A-G. GRCh37 (hg19) VCF-style: chr16-70305822-A-G.
Other names: short protein forms M178T.
Identifiers: ClinVar variation 4811653 (VCV004811653.1).

ClinVar aggregate classification (germline): Uncertain significance (1 of 4 stars; one submission).

Conditions:
Charcot-Marie-Tooth disease type 2. Also called: Charcot-Marie-Tooth type 2. Identifiers: Orphanet 64746, MedGen C0270914, MONDO:0018993.

Submission:

Labcorp Genetics (formerly Invitae), Labcorp
Classification: Uncertain significance for Charcot-Marie-Tooth disease type 2. Last evaluated: 2025-12-15. Review status: criteria provided, single submitter. Criteria: Invitae Variant Classification Sherloc (09022015). Collection method: clinical testing. Allele origin: germline.
Comment: This sequence change replaces methionine, which is neutral and non-polar, with threonine, which is neutral and polar, at codon 178 of the AARS protein (p.Met178Thr). This variant is not present in population databases (gnomAD no frequency). This variant has not been reported in the literature in individuals affected with AARS-related conditions. Invitae Evidence Modeling of protein sequence and biophysical properties (such as structural, functional, and spatial information, amino acid conservation, physicochemical variation, residue mobility, and thermodynamic stability) has been performed for this missense variant. However, the output from this modeling did not meet the statistical confidence thresholds required to predict the impact of this variant on AARS protein function. In summary, the available evidence is currently insufficient to determine the role of this variant in disease. Therefore, it has been classified as a Variant of Uncertain Significance.